The following is an entry in ClinVar:

ClinVar aggregate classification (germline): Benign (0 of 4 stars; one submission).

Conditions:
MARCHF10-related disorder. Also called: MARCHF10-related condition.

Allele frequency attached by ClinVar (database versions not stated): gnomAD exomes 0.00027; ExAC 0.00054; 1000 Genomes Project 0.00060; 1000 Genomes Project 30x 0.00078; gnomAD 0.00105; ESP Exome Variant Server 0.00123; TOPMed 0.00135.
gnomAD v4.1: 603 of 1,614,174 alleles (0.037%); highest among the groups gnomAD compares: African/African-American, 0.31%; 2 homozygotes.

Submission:

PreventionGenetics, part of Exact Sciences
Classification: Benign for MARCHF10-related condition. Last evaluated: 2019-06-11. Review status: no assertion criteria provided. Collection method: clinical testing. Allele origin: germline.
Comment: This variant is classified as benign based on ACMG/AMP sequence variant interpretation guidelines (Richards et al. 2015 PMID: 25741868, with internal and published modifications).

NM_152598.4(MARCHF10):c.801A>G (p.Ala267=)

Genes: MARCHF10 (membrane associated ring-CH-type finger 10; minus strand), MARCHF10-AS1 (MARCHF10 antisense RNA 1; plus strand). Cytogenetic location: 17q23.2.
Variant type: single nucleotide variant.
Coding change: c.801A>G on transcript NM_152598.4 (MANE Select); coding-DNA position 801, A replaced by G.
Protein change: p.Ala267=; no amino-acid change (alanine 267 retained).
Molecular consequence: synonymous variant. On other transcripts: non-coding transcript variant (1).
Genome position (GRCh38, 1-based): chr17:62,737,067, T>C on the plus strand (A>G on the coding strand, the complement: MARCHF10 is on the minus strand). VCF-style: chr17-62737067-T-C. GRCh37 (hg19) VCF-style: chr17-60814428-T-C.
Other names: c.801A>G, p.Ala267= (NM_001100875.3); c.915A>G, p.Ala305= (NM_001288779.2); c.798A>G, p.Ala266= (NM_001288780.2).
Identifiers: ClinVar variation 3034128 (VCV003034128.2), dbSNP rs141862095, ClinGen allele CA8696908.